The following is an entry in ClinVar:

ClinVar aggregate classification (germline): Uncertain significance. Review status: criteria provided, multiple submitters, no conflicts (2 of 4 stars). 11 submissions from 8 submitters: Uncertain significance (10). 1 of the submissions does not count toward it. Last evaluated 2025-06-30.

Conditions:
Hypertrophic cardiomyopathy 2. Also called: TNNT2-Related Familial Hypertrophic Cardiomyopathy. Identifiers: MedGen C1861864, MONDO:0007266, OMIM 115195.
Cardiomyopathy, familial restrictive, 3. Identifiers: Orphanet 75249, MedGen C2676271, MONDO:0012900, OMIM 612422.
Dilated cardiomyopathy 1D. Identifiers: Orphanet 154, Orphanet 54260, MedGen C1832243, MONDO:0011095, OMIM 601494.
Cardiomyopathy (CMYO). Also called: Cardiomyopathies. Identifiers: Orphanet 167848, MedGen C0878544, MONDO:0004994, HP:0001638. Inheritance: Various modes of inheritance.

Allele frequency attached by ClinVar (database versions not stated): gnomAD below 0.00001 and 0.00003; TOPMed below 0.00001; ExAC 0.00002; gnomAD exomes 0.00002.

Submissions (11):

Color Diagnostics, LLC DBA Color Health
Classification: Uncertain significance for Cardiomyopathy. Last evaluated: 2025-06-30. Review status: criteria provided, single submitter. Criteria: ACMG Guidelines, 2015. Collection method: clinical testing. Allele origin: germline.
Comment: This missense variant replaces methionine with valine at codon 95 of the TNNT2 protein. Computational prediction is inconclusive regarding the impact of this variant on protein structure and function. To our knowledge, functional studies have not been reported for this variant. This variant has been reported in individuals affected with hypertrophic cardiomyopathy (PMID: 27532257, 32746448, 37652022). This variant has been identified in 4/251472 chromosomes in the general population by the Genome Aggregation Database (gnomAD). The available evidence is insufficient to determine the role of this variant in disease conclusively. Therefore, this variant is classified as a Variant of Uncertain Significance.

Labcorp Genetics (formerly Invitae), Labcorp
Classification: Uncertain significance for Cardiomyopathy, familial restrictive, 3; Hypertrophic cardiomyopathy 2; Dilated cardiomyopathy 1D. Last evaluated: 2025-01-28. Review status: criteria provided, single submitter. Criteria: Invitae Variant Classification Sherloc (09022015). Collection method: clinical testing. Allele origin: germline.
Comment: This sequence change replaces methionine, which is neutral and non-polar, with valine, which is neutral and non-polar, at codon 95 of the TNNT2 protein (p.Met95Val). This variant is present in population databases (rs397516458, gnomAD 0.01%). This missense change has been observed in individual(s) with hypertrophic cardiomyopathy (PMID: 27532257, 32746448, 37652022). This variant is also known as c.268A>G. ClinVar contains an entry for this variant (Variation ID: 43630). Invitae Evidence Modeling of protein sequence and biophysical properties (such as structural, functional, and spatial information, amino acid conservation, physicochemical variation, residue mobility, and thermodynamic stability) indicates that this missense variant is not expected to disrupt TNNT2 protein function with a negative predictive value of 80%. In summary, the available evidence is currently insufficient to determine the role of this variant in disease. Therefore, it has been classified as a Variant of Uncertain Significance.

Genome-Nilou Lab
Classification: Uncertain significance for Dilated cardiomyopathy 1D. Last evaluated: 2023-04-11. Review status: criteria provided, single submitter. Criteria: ACMG Guidelines, 2015. Collection method: clinical testing. Allele origin: germline. Affected: no.

Genome-Nilou Lab
Classification: Uncertain significance for Cardiomyopathy, familial restrictive, 3. Last evaluated: 2023-04-11. Review status: criteria provided, single submitter. Criteria: ACMG Guidelines, 2015. Collection method: clinical testing. Allele origin: germline. Affected: no.

Genome-Nilou Lab
Classification: Uncertain significance for Hypertrophic cardiomyopathy 2. Last evaluated: 2023-04-11. Review status: criteria provided, single submitter. Criteria: ACMG Guidelines, 2015. Collection method: clinical testing. Allele origin: germline. Affected: no.

Fulgent Genetics
Classification: Uncertain significance for Hypertrophic cardiomyopathy 2; Dilated cardiomyopathy 1D; Cardiomyopathy, familial restrictive, 3. Last evaluated: 2021-09-27. Review status: criteria provided, single submitter. Criteria: ACMG Guidelines, 2015. Collection method: clinical testing. Allele origin: unknown.

CHEO Genetics Diagnostic Laboratory, Children's Hospital of Eastern Ontario
Classification: Uncertain significance for Cardiomyopathy. Last evaluated: 2020-12-02. Review status: criteria provided, single submitter. Criteria: ACMG Guidelines, 2015. Collection method: clinical testing. Allele origin: germline.

Illumina Laboratory Services, Illumina
Classification: Uncertain significance for Hypertrophic cardiomyopathy 2. Last evaluated: 2018-01-13. Review status: criteria provided, single submitter. Criteria: ICSL Variant Classification Criteria 13 December 2019. Collection method: clinical testing. Allele origin: germline.

Illumina Laboratory Services, Illumina
Classification: Uncertain significance for Cardiomyopathy, familial restrictive, 3. Last evaluated: 2018-01-13. Review status: criteria provided, single submitter. Criteria: ICSL Variant Classification Criteria 13 December 2019. Collection method: clinical testing. Allele origin: germline.

Breakthrough Genomics
Classification: Uncertain significance. Review status: criteria provided, single submitter. Criteria: ACMG Guidelines, 2015. Collection method: not provided. Allele origin: germline. Inheritance: Autosomal dominant inheritance. Affected: yes.

Laboratory for Molecular Medicine, Mass General Brigham Personalized Medicine
Classification: Uncertain significance. Last evaluated: 2009-03-03. Review status: no assertion criteria provided. Collection method: clinical testing. Allele origin: germline. Observed: 1 variant allele. Not counted in ClinVar's aggregate classification.

Literature cited by the submitters: PubMed 27532257 (cited by Color Diagnostics, LLC DBA Color Health and Labcorp Genetics (formerly Invitae), Labcorp); PubMed 32746448 (cited by Color Diagnostics, LLC DBA Color Health and Labcorp Genetics (formerly Invitae), Labcorp); PubMed 37652022 (cited by Color Diagnostics, LLC DBA Color Health and Labcorp Genetics (formerly Invitae), Labcorp).

NM_001276345.2(TNNT2):c.313A>G (p.Met105Val)

Gene: TNNT2 (troponin T2, cardiac type; minus strand). Cytogenetic location: 1q32.1.
Variant type: single nucleotide variant.
Coding change: c.313A>G on transcript NM_001276345.2 (MANE Select); coding-DNA position 313, A replaced by G.
Protein change: p.Met105Val; replaces methionine 105 with valine.
Molecular consequence: missense variant. On other transcripts: intron variant (1).
Genome position (GRCh38, 1-based): chr1:201,365,289, T>C on the plus strand (A>G on the coding strand, the complement: TNNT2 is on the minus strand). VCF-style: chr1-201365289-T-C. GRCh37 (hg19) VCF-style: chr1-201334417-T-C.
Other names: c.313A>G, p.Met105Val (NM_000364.4); c.283A>G, p.Met95Val (NM_001001430.3, NM_001001431.3, NM_001276347.2); c.268A>G, p.Met90Val (NM_001001432.3); c.291+321A>G (NM_001276346.2); short protein forms M105V, M95V, M90V.
Identifiers: ClinVar variation 43630 (VCV000043630.20), dbSNP rs397516458, ClinGen allele CA004308.
Genomic context (GRCh38, chr1:201,365,289, plus strand): 5'-TCTTCCTGTTCTCAAAGTGAGCCTCGATCAGCGCCTGCAACTCATTCAGGTCCTTCTCCA[T>C]GCGCTTCCGGTGGATGTCCTGTGGGTGGACCGCTGCGGCTCAGAGGCTGCCACTCCAAAG-3'
Protein context (NP_001263274.1, residues 95-115): VDFDDIHRKR[Met105Val]EKDLNELQAL